The following is an entry in ClinVar:

Conditions:
Breast-ovarian cancer, familial, susceptibility to, 1 (BROVCA1). Also called: BRCA1 Hereditary Breast and Ovarian Cancer; OVARIAN CANCER, SUSCEPTIBILITY TO. Identifiers: Orphanet 145, MedGen C2676676, MONDO:0011450, OMIM 604370. Disease mechanism: loss of function.

Submission:

Brotman Baty Institute, University of Washington
No classification provided (evidence only). Condition: Breast-ovarian cancer, familial 1. Review status: no classification provided. Collection method: in vitro. Allele origin: not applicable. Functional consequence: functionally_abnormal.
ClinVar note: "not provided" was previously submitted as the classification for the variant. However, the classification appeared to be based only on an observation of functional data so it was converted to no classification on 2025-07-30.

NM_007294.4(BRCA1):c.5051C>T (p.Thr1684Ile)

Gene: BRCA1 (BRCA1 DNA repair associated; minus strand). Cytogenetic location: 17q21.31.
Variant type: single nucleotide variant.
Coding change: c.5051C>T on transcript NM_007294.4 (MANE Select); coding-DNA position 5051, C replaced by T.
Protein change: p.Thr1684Ile; replaces threonine 1684 with isoleucine.
Molecular consequence: missense variant. On other transcripts: non-coding transcript variant (1).
Genome position (GRCh38, 1-based): chr17:43,067,631, G>A on the plus strand (C>T on the coding strand, the complement: BRCA1 is on the minus strand). VCF-style: chr17-43067631-G-A. GRCh37 (hg19) VCF-style: chr17-41219648-G-A.
Other names: c.4904C>T, p.Thr1635Ile (NM_001407841.1, NM_001407842.1, NM_001407843.1 and 12 more transcripts); c.5045C>T, p.Thr1682Ile (NM_001407861.1, NM_001407629.1, NM_001407630.1 and 14 more transcripts); c.4850C>T, p.Thr1617Ile (NM_001407862.1); c.4925C>T, p.Thr1642Ile (NM_001407863.1, NM_001407670.1, NM_001407671.1 and 11 more transcripts); c.4844C>T, p.Thr1615Ile (NM_001407874.1, NM_001407875.1); c.4841C>T, p.Thr1614Ile (NM_001407879.1, NM_001407881.1, NM_001407882.1 and 5 more transcripts); c.4838C>T, p.Thr1613Ile (NM_001407900.1, NM_001407902.1, NM_001407904.1 and 12 more transcripts); c.4835C>T, p.Thr1612Ile (NM_001407915.1, NM_001407916.1, NM_001407917.1 and 1 more transcripts); and 70 more; short protein forms T1637I, T580I, T1684I, T1705I, T1387I, T1556I, T1573I, T1595I.
Identifiers: ClinVar variation 868966 (VCV000868966.3), dbSNP rs2052164896, ClinGen allele CA10591414.